The following is an entry in ClinVar:

ClinVar aggregate classification (germline): Uncertain significance (1 of 4 stars; one submission).

Conditions:
Deficiency of alpha-mannosidase (MANSA). Also called: LYSOSOMAL ALPHA-D-MANNOSIDASE DEFICIENCY; Alpha-Mannosidosis; Mannosidosis, alpha-, types I and II. Identifiers: Orphanet 61, MedGen C0024748, MONDO:0009561, OMIM 248500.

Allele frequency attached by ClinVar (database versions not stated): gnomAD 0.00001; TOPMed 0.00003; ESP Exome Variant Server 0.00008.
gnomAD v4.1: 15 of 1,613,144 alleles (0.00093%); highest among the groups gnomAD compares: African/African-American, 0.004%; no homozygotes.

Submission:

Labcorp Genetics (formerly Invitae), Labcorp
Classification: Uncertain significance for Deficiency of alpha-mannosidase. Last evaluated: 2022-04-19. Review status: criteria provided, single submitter. Criteria: Invitae Variant Classification Sherloc (09022015). Collection method: clinical testing. Allele origin: germline.
Comment: This sequence change replaces arginine, which is basic and polar, with glutamine, which is neutral and polar, at codon 781 of the MAN2B1 protein (p.Arg781Gln). This variant is present in population databases (rs375598352, gnomAD 0.01%). This variant has not been reported in the literature in individuals affected with MAN2B1-related conditions. Algorithms developed to predict the effect of missense changes on protein structure and function are either unavailable or do not agree on the potential impact of this missense change (SIFT: "Tolerated"; PolyPhen-2: "Probably Damaging"; Align-GVGD: "Class C0"). Algorithms developed to predict the effect of sequence changes on RNA splicing suggest that this variant may create or strengthen a splice site. In summary, the available evidence is currently insufficient to determine the role of this variant in disease. Therefore, it has been classified as a Variant of Uncertain Significance.

NM_000528.4(MAN2B1):c.2342G>A (p.Arg781Gln)

Gene: MAN2B1 (mannosidase alpha class 2B member 1; minus strand). Cytogenetic location: 19p13.13.
Variant type: single nucleotide variant.
Coding change: c.2342G>A on transcript NM_000528.4 (MANE Select); coding-DNA position 2342, G replaced by A.
Protein change: p.Arg781Gln; replaces arginine 781 with glutamine.
Molecular consequence: missense variant.
Genome position (GRCh38, 1-based): chr19:12,649,354, C>T on the plus strand (G>A on the coding strand, the complement: MAN2B1 is on the minus strand). VCF-style: chr19-12649354-C-T. GRCh37 (hg19) VCF-style: chr19-12760168-C-T.
Other names: c.2339G>A, p.Arg780Gln (NM_001173498.2); short protein forms R780Q, R781Q.
Identifiers: ClinVar variation 2136987 (VCV002136987.1), dbSNP rs375598352, ClinGen allele CA9226075.